The following is an entry in ClinVar:

ClinVar aggregate classification (germline): Uncertain significance (1 of 4 stars; one submission).

Conditions:
Ehlers-Danlos syndrome, spondylodysplastic type, 3. Also called: Ehlers-Danlos syndrome, spondylocheirodysplastic type. Identifiers: Orphanet 157965, MedGen C2676510, MONDO:0012873, OMIM 612350.

Submission:

Labcorp Genetics (formerly Invitae), Labcorp
Classification: Uncertain significance for Ehlers-Danlos syndrome, spondylodysplastic type, 3. Last evaluated: 2021-07-06. Review status: criteria provided, single submitter. Criteria: Invitae Variant Classification Sherloc (09022015). Collection method: clinical testing. Allele origin: germline.
Comment: Algorithms developed to predict the effect of sequence changes on RNA splicing suggest that this variant may disrupt the consensus splice site. In summary, the available evidence is currently insufficient to determine the role of this variant in disease. Therefore, it has been classified as a Variant of Uncertain Significance. This variant has not been reported in the literature in individuals affected with SLC39A13-related conditions. This variant is not present in population databases (ExAC no frequency). This variant, c.733_735del, results in the deletion of 1 amino acid(s) of the SLC39A13 protein (p.Lys245del), but otherwise preserves the integrity of the reading frame.

NM_001128225.3(SLC39A13):c.730_732AAG[1] (p.Lys245del)

Gene: SLC39A13 (solute carrier family 39 member 13; plus strand). Cytogenetic location: 11p11.2.
Variant type: Microsatellite.
Coding change: c.730_732AAG[1] on transcript NM_001128225.3 (MANE Select).
Protein change: p.Lys245del; deletes lysine 245.
Molecular consequence: inframe deletion. On other transcripts: non-coding transcript variant (1).
Genome position: GRCh38 VCF-style: chr11-47413680-CAAG-C. GRCh37 (hg19) VCF-style: chr11-47435231-CAAG-C.
Other names: c.730_732AAG[1], p.Lys245del (NM_001330245.2, NM_152264.5); short protein forms K245del.
Identifiers: ClinVar variation 1347329 (VCV001347329.8), dbSNP rs2153299658, ClinGen allele CA2580615697.